The following is an entry in ClinVar:

NM_000257.4(MYH7):c.1957-1G>T

Gene: MYH7 (myosin heavy chain 7; minus strand). Cytogenetic location: 14q11.2.
Variant type: single nucleotide variant.
Coding change: c.1957-1G>T on transcript NM_000257.4 (MANE Select); the canonical splice acceptor site of the intron before coding-DNA position 1957, G replaced by T.
Molecular consequence: splice acceptor variant.
Genome position (GRCh38, 1-based): chr14:23,426,865, C>A on the plus strand (G>T on the coding strand, the complement: MYH7 is on the minus strand). VCF-style: chr14-23426865-C-A. GRCh37 (hg19) VCF-style: chr14-23896074-C-A.
Other names: c.1957-1G>T (NM_001407004.1).
Identifiers: ClinVar variation 1441798 (VCV001441798.8), dbSNP rs2138670367, ClinGen allele CA389049446.

ClinVar aggregate classification (germline): Uncertain significance (1 of 4 stars; one submission).

Conditions:
Hypertrophic cardiomyopathy. Also called: HYPERTROPHIC MYOCARDIOPATHY. Identifiers: Orphanet 217569, MedGen C0007194, MeSH D002312, MONDO:0005045, HP:0001639.

Allele frequency attached by ClinVar (database versions not stated): gnomAD exomes below 0.00001.
gnomAD v4.1: 1 of 1,613,784 alleles (0.000062%); highest among the groups gnomAD compares: South Asian, 0.0011%; no homozygotes.

Submission:

Labcorp Genetics (formerly Invitae), Labcorp
Classification: Uncertain significance for Hypertrophic cardiomyopathy. Last evaluated: 2022-03-18. Review status: criteria provided, single submitter. Criteria: Invitae Variant Classification Sherloc (09022015). Collection method: clinical testing. Allele origin: germline.
Comment: This sequence change affects an acceptor splice site in intron 17 of the MYH7 gene. It is expected to disrupt RNA splicing. Variants that disrupt the donor or acceptor splice site typically lead to a loss of protein function (PMID: 16199547), however the current clinical and genetic evidence is not sufficient to establish whether loss-of-function variants in MYH7 cause disease. This variant is not present in population databases (gnomAD no frequency). This variant has not been reported in the literature in individuals affected with MYH7-related conditions. Algorithms developed to predict the effect of sequence changes on RNA splicing suggest that this variant may disrupt the consensus splice site. In summary, the available evidence is currently insufficient to determine the role of this variant in disease. Therefore, it has been classified as a Variant of Uncertain Significance.

Literature cited by the submitters: PubMed 16199547.